The following is an entry in ClinVar:

ClinVar aggregate classification (germline): Likely benign. Review status: criteria provided, multiple submitters, no conflicts (2 of 4 stars). 2 submissions from 2 submitters: Likely benign (2). Last evaluated 2026-09-16.

Conditions:
WNK1-related disorder. Also called: WNK1-related condition.
Neuropathy, hereditary sensory and autonomic, type 2A (HSAN2A). Also called: ACROOSTEOLYSIS, GIACCAI TYPE; ACROOSTEOLYSIS, NEUROGENIC; MORVAN DISEASE; NEUROPATHY, CONGENITAL SENSORY; NEUROPATHY, HEREDITARY SENSORY RADICULAR, AUTOSOMAL RECESSIVE; NEUROPATHY, HEREDITARY SENSORY, TYPE IIA. Identifiers: Orphanet 970, MedGen C2752089, MONDO:0024309, OMIM 201300.
Pseudohypoaldosteronism type 2C (PHA2C). Also called: Pseudohypoaldosteronism Type IIC. Identifiers: Orphanet 757, Orphanet 88940, MedGen C1840391, MONDO:0013778, OMIM 614492.

Allele frequency attached by ClinVar (database versions not stated): ExAC 0.00002; gnomAD exomes 0.00002; TOPMed 0.00015; gnomAD 0.00020 and 0.00022.

Submissions (2):

PreventionGenetics, part of Exact Sciences
Classification: Likely benign for WNK1-related condition. Last evaluated: 2026-09-16. Review status: criteria provided, single submitter. Criteria: ACMG Guidelines, 2015. Collection method: clinical testing. Allele origin: germline.
Comment: This variant is classified as likely benign based on ACMG/AMP sequence variant interpretation guidelines (Richards et al. 2015 PMID: 25741868, with internal and published modifications).

Labcorp Genetics (formerly Invitae), Labcorp
Classification: Likely benign for Neuropathy, hereditary sensory and autonomic, type 2A; Pseudohypoaldosteronism type 2C. Last evaluated: 2025-08-05. Review status: criteria provided, single submitter. Criteria: Invitae Variant Classification Sherloc (09022015). Collection method: clinical testing. Allele origin: germline.

NM_018979.4(WNK1):c.759+3_759+6dup

Gene: WNK1 (WNK lysine deficient protein kinase 1; plus strand). Cytogenetic location: 12p13.33.
Variant type: Duplication.
Coding change: c.759+3_759+6dup on transcript NM_018979.4 (MANE Select); bases 3 to 6 of the intron after coding-DNA position 759, 4 bases duplicated (AAAG; older notation c.759+3_759+6dupAAAG).
Molecular consequence: intron variant.
Genome position (GRCh38, 1-based): chr12:754,327-754,330, AAAG duplicated. VCF-style (leftmost placement, unchanged base first): chr12-754326-T-TAAAG. GRCh37 (hg19) VCF-style: chr12-863492-T-TAAAG.
Other names: c.759+3_759+6dupAAAG (NM_018979.3); c.759+3_759+6dup (NM_213655.5, NM_001184985.2, NM_014823.3).
Identifiers: ClinVar variation 1146076 (VCV001146076.10), dbSNP rs56246627, ClinGen allele CA6381837.